The following is an entry in ClinVar:

NM_015028.4(TNIK):c.508+5G>C

Gene: TNIK (TRAF2 and NCK interacting kinase; minus strand). Cytogenetic location: 3q26.2.
Variant type: single nucleotide variant.
Coding change: c.508+5G>C on transcript NM_015028.4 (MANE Select); 5 bases into the intron after coding-DNA position 508, G replaced by C.
Molecular consequence: intron variant.
Genome position (GRCh38, 1-based): chr3:171,190,692, C>G on the plus strand (G>C on the coding strand, the complement: TNIK is on the minus strand). VCF-style: chr3-171190692-C-G. GRCh37 (hg19) VCF-style: chr3-170908481-C-G.
Other names: c.508+5G>C (NM_001161566.3, NM_001161565.3, NM_001161562.3 and 4 more transcripts).
Identifiers: ClinVar variation 3069092 (VCV003069092.3), dbSNP rs192028546, ClinGen allele CA2703721.

ClinVar aggregate classification (germline): Uncertain significance. Review status: criteria provided, multiple submitters, no conflicts (2 of 4 stars). 2 submissions from 2 submitters: Uncertain significance (2). Last evaluated 2026-08-06.

Conditions:
Intellectual developmental disorder, autosomal recessive 54. Also called: Intellectual disability, autosomal recessive 54. Identifiers: Orphanet 88616, MedGen C4310755, MONDO:0014876, OMIM 617028.

Allele frequency attached by ClinVar (database versions not stated): gnomAD 0.00009; TOPMed 0.00012; ExAC 0.00017; ESP Exome Variant Server 0.00017; 1000 Genomes Project 0.00020; 1000 Genomes Project 30x 0.00031.
gnomAD v4.1: 151 of 1,580,792 alleles (0.0096%); highest among the groups gnomAD compares: Middle Eastern, 0.066%; no homozygotes.

Submissions (2):

OLLIN Analises Genomicas, OLLIN
Classification: Uncertain significance for Intellectual developmental disorder, autosomal recessive 54. Last evaluated: 2026-08-06. Review status: criteria provided, single submitter. Criteria: ACMG Guidelines 2015 PMID 25741868. Collection method: clinical testing. Allele origin: germline.
Comment: This variant, has been reported in ClinVar (accession VCV003069092.2) and in gnomAD with an allele frequency of 0.0096%. However, to our knowledge, it has not been reported in the scientific literature. According to the currently available evidence, this variant has been classified as uncertain significance (PM2_P, PP3).

Women's Health and Genetics/Laboratory Corporation of America, LabCorp
Classification: Uncertain significance. Last evaluated: 2024-02-29. Review status: criteria provided, single submitter. Criteria: LabCorp Variant Classification Summary - May 2015. Collection method: clinical testing. Allele origin: germline.
Comment: Variant summary: TNIK c.508+5G>C alters a conserved nucleotide located close to a canonical splice site and therefore could affect mRNA splicing, leading to a significantly altered protein sequence. Several computational tools predict a significant impact on normal splicing: Three predict the variant weakens a canonical 5' donor site. One predict the variant abolishes a canonical 5' splicing donor site. However, these predictions have yet to be confirmed by functional studies. The variant allele was found at a frequency of 0.00011 in 203204 control chromosomes (gnomAD). To our knowledge, no occurrence of c.508+5G>C in individuals affected with Intellectual Disability, Autosomal Recessive 54 and no experimental evidence demonstrating its impact on protein function have been reported. No submitters have cited clinical-significance assessments for this variant to ClinVar. Based on the evidence outlined above, the variant was classified as uncertain significance.